The following is an entry in ClinVar:

ClinVar aggregate classification (germline): Uncertain significance. Review status: criteria provided, multiple submitters, no conflicts (2 of 4 stars). 2 submissions from 2 submitters: Uncertain significance (2). Last evaluated 2025-05-14.

Conditions:
Developmental delay, hypotonia, musculoskeletal defects, and behavioral abnormalities. Identifiers: MedGen C5562012, MONDO:0859202, OMIM 619595.
Floating-Harbor syndrome (FLHS). Also called: SRCAP-Related Floating-Harbor Syndrome; Short stature with delayed bone age, expressive language delay, a triangular face with a prominent nose and deep-set eyes; Pelletier-Leisti syndrome. Identifiers: Orphanet 2044, MedGen C0729582, MONDO:0007621, OMIM 136140.

gnomAD v4.1: 3 of 1,614,028 alleles (0.00019%); highest among the groups gnomAD compares: Non-Finnish European, 0.00025%; no homozygotes.

Submissions (2):

Women's Health and Genetics/Laboratory Corporation of America, LabCorp
Classification: Uncertain significance. Last evaluated: 2025-05-14. Review status: criteria provided, single submitter. Criteria: LabCorp Variant Classification Summary - May 2015. Collection method: clinical testing. Allele origin: germline.
Comment: Variant summary: SRCAP c.250A>G (p.Asn84Asp) results in a conservative amino acid change in the encoded protein sequence. Algorithms developed to predict the effect of missense changes on protein structure and function are either unavailable or do not agree on the potential impact of this missense change. The variant was absent in 249362 control chromosomes. The available data on variant occurrences in the general population are insufficient to allow any conclusion about variant significance. To our knowledge, no occurrence of c.250A>G in individuals affected with Floating-Harbor Syndrome and no experimental evidence demonstrating its impact on protein function have been reported. ClinVar contains an entry for this variant (Variation ID: 3580055). Based on the evidence outlined above, the variant was classified as uncertain significance.

Fulgent Genetics
Classification: Uncertain significance for Floating-Harbor syndrome; Developmental delay, hypotonia, musculoskeletal defects, and behavioral abnormalities. Last evaluated: 2024-02-07. Review status: criteria provided, single submitter. Criteria: ACMG Guidelines, 2015. Collection method: clinical testing. Allele origin: germline.

NM_006662.3(SRCAP):c.250A>G (p.Asn84Asp)

Gene: SRCAP (Snf2 related CREBBP activator protein; plus strand). Cytogenetic location: 16p11.2.
Variant type: single nucleotide variant.
Coding change: c.250A>G on transcript NM_006662.3 (MANE Select); coding-DNA position 250, A replaced by G.
Protein change: p.Asn84Asp; replaces asparagine 84 with aspartic acid.
Molecular consequence: missense variant.
Genome position (GRCh38, 1-based): chr16:30,704,259, A>G. VCF-style: chr16-30704259-A-G. GRCh37 (hg19) VCF-style: chr16-30715580-A-G.
Other names: short protein forms N84D.
Identifiers: ClinVar variation 3580055 (VCV003580055.2).